The following is an entry in ClinVar:

ClinVar aggregate classification (germline): Uncertain significance (1 of 4 stars; one submission).

Conditions:
ANKS1B-related disorder. Also called: ANKS1B-related condition.

Submission:

PreventionGenetics, part of Exact Sciences
Classification: Uncertain significance for ANKS1B-related condition. Last evaluated: 2026-03-12. Review status: criteria provided, single submitter. Criteria: ACMG Guidelines, 2015. Collection method: clinical testing. Allele origin: germline.
Comment: The ANKS1B c.1311T>G variant is predicted to result in the amino acid substitution p.Ile437Met. To our knowledge, this variant has not been reported in the literature or in a large population database (gnomAD), indicating this variant is rare. At this time, the clinical significance of this variant is uncertain due to the absence of conclusive functional and genetic evidence.

NM_001352186.2(ANKS1B):c.1311T>G (p.Ile437Met)

Gene: ANKS1B (ankyrin repeat and sterile alpha motif domain containing 1B; minus strand). Cytogenetic location: 12q23.1.
Variant type: single nucleotide variant.
Coding change: c.1311T>G on transcript NM_001352186.2 (MANE Select); coding-DNA position 1311, T replaced by G.
Protein change: p.Ile437Met; replaces isoleucine 437 with methionine.
Molecular consequence: missense variant.
Genome position (GRCh38, 1-based): chr12:99,504,603, A>C on the plus strand (T>G on the coding strand, the complement: ANKS1B is on the minus strand). VCF-style: chr12-99504603-A-C. GRCh37 (hg19) VCF-style: chr12-99898381-A-C.
Other names: c.1311T>G, p.Ile437Met (NM_001352185.1, NM_001352187.1, NM_001352188.1 and 1 more transcripts); short protein forms I437M.
Identifiers: ClinVar variation 4983682 (VCV004983682.1).